The following is an entry in ClinVar:

ClinVar aggregate classification (germline): Pathogenic (1 of 4 stars; one submission).

Submission:

Labcorp Genetics (formerly Invitae), Labcorp
Classification: Pathogenic. Last evaluated: 2025-01-30. Review status: criteria provided, single submitter. Criteria: Invitae Variant Classification Sherloc (09022015). Collection method: clinical testing. Allele origin: germline.
Comment: This sequence change creates a premature translational stop signal (p.Phe4841Serfs*13) in the ADGRV1 gene. It is expected to result in an absent or disrupted protein product. Loss-of-function variants in ADGRV1 are known to be pathogenic (PMID: 19357117, 22135276, 22147658, 26226137, 30718709, 31047384, 32467589). This variant is not present in population databases (gnomAD no frequency). This variant has not been reported in the literature in individuals affected with ADGRV1-related conditions. ClinVar contains an entry for this variant (Variation ID: 1972121). For these reasons, this variant has been classified as Pathogenic.

Literature cited by the submitters: PubMed 19357117; PubMed 22135276; PubMed 22147658; PubMed 26226137; PubMed 30718709; PubMed 31047384; PubMed 32467589.

NM_032119.4(ADGRV1):c.14522del (p.Phe4841fs)

Gene: ADGRV1 (adhesion G protein-coupled receptor V1; plus strand). Cytogenetic location: 5q14.3.
Variant type: Deletion.
Coding change: c.14522del on transcript NM_032119.4 (MANE Select); coding-DNA position 14522, one base deleted (T; older notation c.14522delT).
Protein change: p.Phe4841fs; shifts the reading frame from phenylalanine 4841.
Molecular consequence: frameshift variant. On other transcripts: non-coding transcript variant (1).
Genome position (GRCh38, 1-based): chr5:90,802,743, T deleted; the last of 2 consecutive T bases (chr5:90,802,742-90,802,743); deleting either gives the same sequence. VCF-style (leftmost placement, unchanged base first): chr5-90802741-CT-C. GRCh37 (hg19) VCF-style: chr5-90098558-CT-C.
Other names: short protein forms F4841fs.
Identifiers: ClinVar variation 1972121 (VCV001972121.5), dbSNP rs2532113776, ClinGen allele CA2580073772.
Genomic context (GRCh38, chr5:90,802,741, plus strand): 5'-AAGAACAGCATTTTTCTCTGAAAATTATTTCTAAATCACTGACACTGTTTGTTTATAGGT[CT>C]TCCTATCACTGGGCTCTAATTTCACTTTGCAACTGGTGACTGTGATGCTTGTCGGTGGAC-3'